The following is an entry in ClinVar:

NM_006270.5(RRAS):c.620G>A (p.Arg207Lys)

Gene: RRAS (RAS related; minus strand). Cytogenetic location: 19q13.33.
Variant type: single nucleotide variant.
Coding change: c.620G>A on transcript NM_006270.5 (MANE Select); coding-DNA position 620, G replaced by A.
Protein change: p.Arg207Lys; replaces arginine 207 with lysine.
Molecular consequence: missense variant.
Genome position (GRCh38, 1-based): chr19:49,635,613, C>T on the plus strand (G>A on the coding strand, the complement: RRAS is on the minus strand). VCF-style: chr19-49635613-C-T. GRCh37 (hg19) VCF-style: chr19-50138870-C-T.
Other names: short protein forms R207K.
Identifiers: ClinVar variation 1752208 (VCV001752208.2), dbSNP rs2513705151, ClinGen allele CA406845342.
Genomic context (GRCh38, chr19:49,635,613, plus strand): 5'-TGGTTGCTTCTCTCTTGCCTGGGCTACAGGAGGACGCAGGGGCAGCCCCCGCCCTTCTTC[C>T]TGGGGGCACTGGGAGGGCTCGGTGGGAGCTCTTGTTCCTGGTATTTCCTGTGGGAAAACG-3'
Protein context (NP_006261.1, residues 197-217): ELPPSPPSAP[Arg207Lys]KKGGGCPCVL

ClinVar aggregate classification (germline): Uncertain significance (1 of 4 stars; one submission).

gnomAD v4.1: 6 of 1,433,132 alleles (0.00042%); highest among the groups gnomAD compares: Non-Finnish European, 0.00055%; no homozygotes.

Submission:

Ambry Genetics
Classification: Uncertain significance. Last evaluated: 2021-11-05. Review status: criteria provided, single submitter. Criteria: Ambry Variant Classification Scheme 2023. Collection method: clinical testing. Allele origin: germline.
Comment: The p.R207K variant (also known as c.620G>A), located in coding exon 6 of the RRAS gene, results from a G to A substitution at nucleotide position 620. The arginine at codon 207 is replaced by lysine, an amino acid with highly similar properties. This amino acid position is conserved. In addition, this alteration is predicted to be tolerated by in silico analysis. Since supporting evidence is limited at this time, the clinical significance of this alteration remains unclear.